The following is an entry in ClinVar:

NM_001367624.2(ZNF469):c.4235G>A (p.Ser1412Asn)

Gene: ZNF469 (zinc finger protein 469; plus strand). Cytogenetic location: 16q24.2.
Variant type: single nucleotide variant.
Coding change: c.4235G>A on transcript NM_001367624.2 (MANE Select); coding-DNA position 4235, G replaced by A.
Protein change: p.Ser1412Asn; replaces serine 1412 with asparagine.
Molecular consequence: missense variant.
Genome position (GRCh38, 1-based): chr16:88,431,705, G>A. VCF-style: chr16-88431705-G-A. GRCh37 (hg19) VCF-style: chr16-88498113-G-A.
Other names: NM_001127464.1:c.4151G>A; short protein forms S1412N.
Identifiers: ClinVar variation 1314674 (VCV001314674.2), dbSNP rs576089886, ClinGen allele CA397090419.

ClinVar aggregate classification (germline): Uncertain significance (1 of 4 stars; one submission).

Submission:

GeneDx
Classification: Uncertain significance. Last evaluated: 2021-04-15. Review status: criteria provided, single submitter. Criteria: GeneDx Variant Classification Process June 2021. Collection method: clinical testing. Allele origin: germline. Affected: yes.
Comment: Not observed in large population cohorts (Lek et al., 2016); In silico analysis supports that this missense variant does not alter protein structure/function; Has not been previously published as pathogenic or benign to our knowledge